The following is an entry in ClinVar:

NM_000492.4(CFTR):c.1652_1654delinsAA (p.Gly551fs)

Genes: CFTR (CF transmembrane conductance regulator; plus strand), LOC111674475 (CFTR intron 11 enhancer; plus strand). Cytogenetic location: 7q31.2.
Variant type: Indel.
Coding change: c.1652_1654delinsAA on transcript NM_000492.4 (MANE Select); coding-DNA positions 1652 to 1654, GTC replaced by AA.
Protein change: p.Gly551fs; shifts the reading frame from glycine 551.
Molecular consequence: frameshift variant.
Genome position (GRCh38, 1-based): chr7:117,587,806-117,587,808, GTC replaced by AA. VCF-style: chr7-117587806-GTC-AA. GRCh37 (hg19) VCF-style: chr7-117227860-GTC-AA.
Other names: c.1652_1654delGTCinsAA, p.Gly551Glufs (NM_000492.3); short protein forms G551fs.
Identifiers: ClinVar variation 4818480 (VCV004818480.1).

ClinVar aggregate classification (germline): Likely pathogenic (1 of 4 stars; one submission).

Conditions:
CFTR-related disorder (CFTR-RD). Also called: CFTR-related disorders; CFTR-related condition. Identifiers: MedGen C5924204, MONDO:7770004.

Submission:

Natera, Inc.
Classification: Likely pathogenic for CFTR-related disorders. Last evaluated: 2025-04-15. Review status: criteria provided, single submitter. Criteria: Natera Variant Classification Schema (03/2026). Collection method: clinical testing. Allele origin: germline.
Comment: The c.1652_1654delinsAA variant in CFTR is a frameshift variant predicted to shift the reading frame beginning at codon 551 and leads to a stop codon 8 codons downstream. This variant is expected to result in nonsense mediated decay, truncation, or a dysfunctional protein product. This variant is rare in the general population with a frequency below the threshold expected for the associated phenotype(s). Given the available evidence, this variant is classified as Likely Pathogenic.